The following is an entry in ClinVar:

NM_000059.4(BRCA2):c.802A>G (p.Lys268Glu)

Gene: BRCA2 (BRCA2 DNA repair associated; plus strand). Cytogenetic location: 13q13.1.
Variant type: single nucleotide variant.
Coding change: c.802A>G on transcript NM_000059.4 (MANE Select); coding-DNA position 802, A replaced by G.
Protein change: p.Lys268Glu; replaces lysine 268 with glutamic acid.
Molecular consequence: missense variant. On other transcripts: non-coding transcript variant (1), intron variant (1).
Genome position (GRCh38, 1-based): chr13:32,332,280, A>G. VCF-style: chr13-32332280-A-G. GRCh37 (hg19) VCF-style: chr13-32906417-A-G.
Other names: c.802A>G, p.Lys268Glu (NM_001406719.1, NM_001406720.1, NM_001406721.1 and 1 more transcripts); c.424+1250A>G (NM_001406722.1); short protein forms K268E.
Identifiers: ClinVar variation 4628798 (VCV004628798.1).

ClinVar aggregate classification (germline): Uncertain significance (1 of 4 stars; one submission).

Conditions:
Hereditary cancer-predisposing syndrome. Also called: Neoplastic Syndromes, Hereditary; Tumor predisposition; Hereditary Cancer Syndrome; Hereditary neoplastic syndrome. Identifiers: Orphanet 140162, MedGen C0027672, MeSH D009386, MONDO:0015356.

gnomAD v4.1: 1 of 1,603,240 alleles (0.000062%); highest among the groups gnomAD compares: Non-Finnish European, 0.000085%; no homozygotes.

Submission:

Ambry Genetics
Classification: Uncertain significance for Hereditary cancer-predisposing syndrome. Last evaluated: 2025-10-10. Review status: criteria provided, single submitter. Criteria: Ambry Variant Classification Scheme 2023. Collection method: clinical testing. Allele origin: germline.
Comment: The p.K268E variant (also known as c.802A>G), located in coding exon 9 of the BRCA2 gene, results from an A to G substitution at nucleotide position 802. The lysine at codon 268 is replaced by glutamic acid, an amino acid with similar properties. This amino acid position is conserved. In addition, this alteration is predicted to be tolerated by in silico analysis. Based on the available evidence, the clinical significance of this variant remains unclear.